The following is an entry in ClinVar:

NM_014921.5(ADGRL1):c.4146C>T (p.Ser1382=)

Genes: ADGRL1 (adhesion G protein-coupled receptor L1; minus strand), ADGRL1-AS1 (ADGRL1 antisense RNA 1; plus strand). Cytogenetic location: 19p13.12.
Variant type: single nucleotide variant.
Coding change: c.4146C>T on transcript NM_014921.5 (MANE Select); coding-DNA position 4146, C replaced by T.
Protein change: p.Ser1382=; no amino-acid change (serine 1382 retained).
Molecular consequence: synonymous variant.
Genome position (GRCh38, 1-based): chr19:14,151,137, G>A on the plus strand (C>T on the coding strand, the complement: ADGRL1 is on the minus strand). VCF-style: chr19-14151137-G-A. GRCh37 (hg19) VCF-style: chr19-14261949-G-A.
Other names: c.4161C>T, p.Ser1387= (NM_001008701.3).
Identifiers: ClinVar variation 3904945 (VCV003904945.10).

ClinVar aggregate classification (germline): Likely benign (1 of 4 stars; one submission).

gnomAD v4.1: 1,176 of 1,593,724 alleles (0.074%); highest among the groups gnomAD compares: South Asian, 0.082%; 2 homozygotes.

Submission:

CeGaT Center for Human Genetics Tuebingen
Classification: Likely benign. Last evaluated: 2026-05-01. Review status: criteria provided, single submitter. Criteria: CeGaT Center For Human Genetics Tuebingen Variant Classification Criteria Version 2. Collection method: clinical testing. Allele origin: germline. Affected: yes. Observed: 5 variant alleles.
Comment: ADGRL1: BP4, BP7